The following is an entry in ClinVar:

NM_001384474.1(LOXHD1):c.5272G>T (p.Val1758Phe)

Gene: LOXHD1 (lipoxygenase homology PLAT domains 1; minus strand). Cytogenetic location: 18q21.1.
Variant type: single nucleotide variant.
Coding change: c.5272G>T on transcript NM_001384474.1 (MANE Select); coding-DNA position 5272, G replaced by T.
Protein change: p.Val1758Phe; replaces valine 1758 with phenylalanine.
Molecular consequence: missense variant. On other transcripts: 5 prime UTR variant (2).
Genome position (GRCh38, 1-based): chr18:46,518,256, C>A on the plus strand (G>T on the coding strand, the complement: LOXHD1 is on the minus strand). VCF-style: chr18-46518256-C-A. GRCh37 (hg19) VCF-style: chr18-44098219-C-A.
Other names: c.5086G>T, p.Val1696Phe (NM_144612.7); c.1939G>T, p.Val647Phe (NM_001145472.3); c.-12G>T (NM_001145473.3, NM_001173129.2); c.1651G>T, p.Val551Phe (NM_001308013.2); short protein forms V551F, V647F, V1696F, V1758F.
Identifiers: ClinVar variation 889858 (VCV000889858.5), dbSNP rs535485519, ClinGen allele CA8952218.

ClinVar aggregate classification (germline): Uncertain significance. Review status: criteria provided, multiple submitters, no conflicts (2 of 4 stars). 2 submissions from 2 submitters: Uncertain significance (2). Last evaluated 2024-12-13.

Conditions:
Autosomal recessive nonsyndromic hearing loss 77. Identifiers: Orphanet 90636, MedGen C2746083, MONDO:0013119, OMIM 613079.

Allele frequency attached by ClinVar (database versions not stated): TOPMed 0.00006.
gnomAD v4.1: 22 of 1,551,348 alleles (0.0014%); highest among the groups gnomAD compares: Middle Eastern, 0.017%; no homozygotes.

Submissions (2):

Labcorp Genetics (formerly Invitae), Labcorp
Classification: Uncertain significance. Last evaluated: 2024-12-13. Review status: criteria provided, single submitter. Criteria: Invitae Variant Classification Sherloc (09022015). Collection method: clinical testing. Allele origin: germline.
Comment: This sequence change replaces valine, which is neutral and non-polar, with phenylalanine, which is neutral and non-polar, at codon 1696 of the LOXHD1 protein (p.Val1696Phe). This variant is present in population databases (rs535485519, gnomAD 0.004%). This variant has not been reported in the literature in individuals affected with LOXHD1-related conditions. ClinVar contains an entry for this variant (Variation ID: 889858). An algorithm developed to predict the effect of missense changes on protein structure and function (PolyPhen-2) suggests that this variant is likely to be disruptive. In summary, the available evidence is currently insufficient to determine the role of this variant in disease. Therefore, it has been classified as a Variant of Uncertain Significance.

Illumina Laboratory Services, Illumina
Classification: Uncertain significance for Autosomal recessive nonsyndromic hearing loss 77. Last evaluated: 2018-01-12. Review status: criteria provided, single submitter. Criteria: ICSL Variant Classification Criteria 13 December 2019. Collection method: clinical testing. Allele origin: germline.